The following is an entry in ClinVar:

ClinVar aggregate classification (germline): Uncertain significance (1 of 4 stars; one submission).

Conditions:
Gamma-aminobutyric acid transaminase deficiency (GABATD). Also called: GABA transaminase deficiency; Gamma aminobutyrate transaminase deficiency; 4 alpha aminobutyrate transaminase deficiency; GABA aminotransaminase deficiency. Identifiers: Orphanet 2066, MedGen C0342708, MONDO:0013166, OMIM 613163.

Allele frequency attached by ClinVar (database versions not stated): gnomAD exomes 0.00001; ExAC 0.00002.
gnomAD v4.1: 19 of 1,614,214 alleles (0.0012%); highest among the groups gnomAD compares: South Asian, 0.021%; no homozygotes.

Submission:

Labcorp Genetics (formerly Invitae), Labcorp
Classification: Uncertain significance for Gamma-aminobutyric acid transaminase deficiency. Last evaluated: 2022-07-12. Review status: criteria provided, single submitter. Criteria: Invitae Variant Classification Sherloc (09022015). Collection method: clinical testing. Allele origin: germline.
Comment: This sequence change replaces methionine, which is neutral and non-polar, with valine, which is neutral and non-polar, at codon 353 of the ABAT protein (p.Met353Val). This variant is present in population databases (rs760898650, gnomAD 0.01%). This variant has not been reported in the literature in individuals affected with ABAT-related conditions. ClinVar contains an entry for this variant (Variation ID: 1363639). Algorithms developed to predict the effect of missense changes on protein structure and function (SIFT, PolyPhen-2, Align-GVGD) all suggest that this variant is likely to be tolerated. Algorithms developed to predict the effect of sequence changes on RNA splicing suggest that this variant may create or strengthen a splice site. In summary, the available evidence is currently insufficient to determine the role of this variant in disease. Therefore, it has been classified as a Variant of Uncertain Significance.

NM_020686.6(ABAT):c.1057A>G (p.Met353Val)

Gene: ABAT (4-aminobutyrate aminotransferase; plus strand). Cytogenetic location: 16p13.2.
Variant type: single nucleotide variant.
Coding change: c.1057A>G on transcript NM_020686.6 (MANE Select); coding-DNA position 1057, A replaced by G.
Protein change: p.Met353Val; replaces methionine 353 with valine.
Molecular consequence: missense variant.
Genome position (GRCh38, 1-based): chr16:8,774,992, A>G. VCF-style: chr16-8774992-A-G. GRCh37 (hg19) VCF-style: chr16-8868849-A-G.
Other names: c.1057A>G, p.Met353Val (NM_000663.5, NM_001127448.2, NM_001386600.1 and 6 more transcripts); c.1018A>G, p.Met340Val (NM_001386605.1); c.994A>G, p.Met332Val (NM_001386606.1, NM_001386607.1); c.964A>G, p.Met322Val (NM_001386608.1); c.922A>G, p.Met308Val (NM_001386610.1, NM_001386611.1); c.859A>G, p.Met287Val (NM_001386612.1, NM_001386613.1); c.811A>G, p.Met271Val (NM_001386614.1); c.1153A>G, p.Met385Val (NM_001386615.1); short protein forms M287V, M308V, M340V, M322V, M332V, M385V, M271V, M353V.
Identifiers: ClinVar variation 1363639 (VCV001363639.5), dbSNP rs760898650, ClinGen allele CA7893408.